The following is an entry in ClinVar:

ClinVar aggregate classification (germline): Uncertain significance (1 of 4 stars; one submission).

Conditions:
Cystic fibrosis (CF). Also called: MUCOVISCIDOSIS. Identifiers: Orphanet 586, MedGen C0010674, MONDO:0009061, OMIM 219700. Disease mechanism: loss of function.

Submission:

Institute of Human Genetics, University of Leipzig Medical Center
Classification: Uncertain significance for Cystic fibrosis. Last evaluated: 2022-09-05. Review status: criteria provided, single submitter. Criteria: ACMG Guidelines, 2015. Collection method: curation. Allele origin: unknown. Affected: yes. Observed: 1 variant allele.
Comment: The variant was classified in the context of a project re-classifying variants in the German Cystic Fibrosis Registry (Muko.e.V.). Criteria applied: PVS1_STR, PM2_SUP

NM_000492.4(CFTR):c.3469-1G>T

Genes: CFTR-AS2 (CFTR antisense RNA 2; minus strand), CFTR (CF transmembrane conductance regulator; plus strand). Cytogenetic location: 7q31.2.
Variant type: single nucleotide variant.
Coding change: c.3469-1G>T on transcript NM_000492.4 (MANE Select); the canonical splice acceptor site of the intron before coding-DNA position 3469, G replaced by T.
Molecular consequence: splice acceptor variant.
Genome position (GRCh38, 1-based): chr7:117,627,521, G>T. VCF-style: chr7-117627521-G-T. GRCh37 (hg19) VCF-style: chr7-117267575-G-T.
Identifiers: ClinVar variation 1706015 (VCV001706015.1), dbSNP rs2485146025, ClinGen allele CA368995890.